The following is an entry in ClinVar:

NM_017617.5(NOTCH1):c.3269C>G (p.Thr1090Ser)

Gene: NOTCH1 (notch receptor 1; minus strand). Cytogenetic location: 9q34.3.
Variant type: single nucleotide variant.
Coding change: c.3269C>G on transcript NM_017617.5 (MANE Select); coding-DNA position 3269, C replaced by G.
Protein change: p.Thr1090Ser; replaces threonine 1090 with serine.
Molecular consequence: missense variant.
Genome position (GRCh38, 1-based): chr9:136,508,288, G>C on the plus strand (C>G on the coding strand, the complement: NOTCH1 is on the minus strand). VCF-style: chr9-136508288-G-C. GRCh37 (hg19) VCF-style: chr9-139402740-G-C.
Other names: c.3269C>G, p.Thr1090Ser (LRG_1122t1); short protein forms T1090S.
Identifiers: ClinVar variation 544171 (VCV000544171.10), dbSNP rs761508282, ClinGen allele CA5341001.
Genomic context (GRCh38, chr9:136,508,288, plus strand): 5'-TTACCTTGTCGCTGCGCAGCCACCTCACAGGACACGCTGGGCACGTCGCAGTAAAGGCCG[G>C]TCCAGCCGCTGGGGCACTCGCAGCGGTACTGGGTGTGGGTCTGCCAGCATTTGCCGCCGT-3'
Protein context (NP_060087.3, residues 1080-1100): QYRCECPSGW[Thr1090Ser]GLYCDVPSVS

ClinVar aggregate classification (germline): Uncertain significance. Review status: criteria provided, multiple submitters, no conflicts (2 of 4 stars). 2 submissions from 2 submitters: Uncertain significance (2). Last evaluated 2025-07-23.

Conditions:
Adams-Oliver syndrome 5 (AOS5). Identifiers: Orphanet 974, MedGen C4014970, MONDO:0014459, OMIM 616028.

Allele frequency attached by ClinVar (database versions not stated): ExAC 0.00001; gnomAD exomes 0.00001 and 0.00002; gnomAD 0.00002; TOPMed 0.00002.
gnomAD v4.1: 32 of 1,612,816 alleles (0.002%); highest among the groups gnomAD compares: Non-Finnish European, 0.0025%; no homozygotes.

Submissions (2):

Labcorp Genetics (formerly Invitae), Labcorp
Classification: Uncertain significance for Adams-Oliver syndrome 5. Last evaluated: 2025-07-23. Review status: criteria provided, single submitter. Criteria: Invitae Variant Classification Sherloc (09022015). Collection method: clinical testing. Allele origin: germline.
Comment: This sequence change replaces threonine, which is neutral and polar, with serine, which is neutral and polar, at codon 1090 of the NOTCH1 protein (p.Thr1090Ser). This variant is present in population databases (rs761508282, gnomAD 0.002%). This missense change has been observed in individual(s) with aortic valve calcification and severe calcification and dysfunction of tricuspid aortic valve (PMID: 23102684). ClinVar contains an entry for this variant (Variation ID: 544171). Invitae Evidence Modeling of protein sequence and biophysical properties (such as structural, functional, and spatial information, amino acid conservation, physicochemical variation, residue mobility, and thermodynamic stability) indicates that this missense variant is not expected to disrupt NOTCH1 protein function with a negative predictive value of 80%. In summary, the available evidence is currently insufficient to determine the role of this variant in disease. Therefore, it has been classified as a Variant of Uncertain Significance.

GeneDx
Classification: Uncertain significance. Last evaluated: 2024-04-15. Review status: criteria provided, single submitter. Criteria: GeneDx Variant Classification Process June 2021. Collection method: clinical testing. Allele origin: germline. Affected: yes.
Comment: Reported in a patient with bicuspid aortic valve in the published literature (PMID: 23102684); Not observed at significant frequency in large population cohorts (gnomAD); In silico analysis supports that this missense variant has a deleterious effect on protein structure/function; This variant is associated with the following publications: (PMID: 23102684, 30371227)

Literature cited by the submitters: PubMed 23102684 (cited by Labcorp Genetics (formerly Invitae), Labcorp).